The following is an entry in ClinVar:

NM_001365999.1(SZT2):c.8639_8640del (p.Pro2880fs)

Gene: SZT2 (SZT2 subunit of KICSTOR complex; plus strand). Cytogenetic location: 1p34.2.
Variant type: Deletion.
Coding change: c.8639_8640del on transcript NM_001365999.1 (MANE Select); coding-DNA positions 8639 to 8640, 2 bases deleted (CT; older notation c.8639_8640delCT).
Protein change: p.Pro2880fs; shifts the reading frame from proline 2880.
Molecular consequence: frameshift variant.
Genome position (GRCh38, 1-based): chr1:43,443,610-43,443,611, CT deleted. VCF-style (leftmost placement, unchanged base first): chr1-43443609-CCT-C. GRCh37 (hg19) VCF-style: chr1-43909280-CCT-C.
Other names: c.8468_8469del, p.Pro2823fs (NM_015284.4); short protein forms P2823fs, P2880fs.
Identifiers: ClinVar variation 660423 (VCV000660423.6), dbSNP rs756611351, ClinGen allele CA810643.

ClinVar aggregate classification (germline): Pathogenic (1 of 4 stars; one submission).

Allele frequency attached by ClinVar (database versions not stated): gnomAD exomes below 0.00001; TOPMed below 0.00001; ExAC 0.00001.

Submission:

Labcorp Genetics (formerly Invitae), Labcorp
Classification: Pathogenic. Last evaluated: 2024-04-15. Review status: criteria provided, single submitter. Criteria: Invitae Variant Classification Sherloc (09022015). Collection method: clinical testing. Allele origin: germline.
Comment: This sequence change creates a premature translational stop signal (p.Pro2823Argfs*14) in the SZT2 gene. It is expected to result in an absent or disrupted protein product. Loss-of-function variants in SZT2 are known to be pathogenic (PMID: 23932106, 27248490, 28556953). This variant is present in population databases (rs756611351, gnomAD 0.0009%). This variant has not been reported in the literature in individuals affected with SZT2-related conditions. ClinVar contains an entry for this variant (Variation ID: 660423). For these reasons, this variant has been classified as Pathogenic.

Literature cited by the submitters: PubMed 23932106; PubMed 27248490; PubMed 28556953.